The following is an entry in ClinVar:

ClinVar aggregate classification (germline): Uncertain significance (1 of 4 stars; one submission).

Submission:

GeneDx
Classification: Uncertain significance. Last evaluated: 2022-04-06. Review status: criteria provided, single submitter. Criteria: GeneDx Variant Classification Process June 2021. Collection method: clinical testing. Allele origin: germline. Affected: yes.
Comment: Not observed at significant frequency in large population cohorts (gnomAD); In silico analysis supports that this missense variant does not alter protein structure/function; Has not been previously published as pathogenic or benign to our knowledge

NM_000701.8(ATP1A1):c.1240A>G (p.Thr414Ala)

Gene: ATP1A1 (ATPase Na+/K+ transporting subunit alpha 1; plus strand). Cytogenetic location: 1p13.1.
Variant type: single nucleotide variant.
Coding change: c.1240A>G on transcript NM_000701.8 (MANE Select); coding-DNA position 1240, A replaced by G.
Protein change: p.Thr414Ala; replaces threonine 414 with alanine.
Molecular consequence: missense variant.
Genome position (GRCh38, 1-based): chr1:116,390,799, A>G. VCF-style: chr1-116390799-A-G. GRCh37 (hg19) VCF-style: chr1-116933421-A-G.
Other names: c.1240A>G, p.Thr414Ala (NM_001160233.2); c.1147A>G, p.Thr383Ala (NM_001160234.2); short protein forms T383A, T414A.
Identifiers: ClinVar variation 1711897 (VCV001711897.2), dbSNP rs2525841364, ClinGen allele CA341844770.